The following is an entry in ClinVar:

NM_014991.6(WDFY3):c.9260G>T (p.Cys3087Phe)

Gene: WDFY3 (WD repeat and FYVE domain containing 3; minus strand). Cytogenetic location: 4q21.23.
Variant type: single nucleotide variant.
Coding change: c.9260G>T on transcript NM_014991.6 (MANE Select); coding-DNA position 9260, G replaced by T.
Protein change: p.Cys3087Phe; replaces cysteine 3087 with phenylalanine.
Molecular consequence: missense variant.
Genome position (GRCh38, 1-based): chr4:84,690,609, C>A on the plus strand (G>T on the coding strand, the complement: WDFY3 is on the minus strand). VCF-style: chr4-84690609-C-A. GRCh37 (hg19) VCF-style: chr4-85611762-C-A.
Other names: short protein forms C3087F.
Identifiers: ClinVar variation 1696515 (VCV001696515.1), dbSNP rs1397754824, ClinGen allele CA357537215.

ClinVar aggregate classification (germline): Uncertain significance (1 of 4 stars; one submission).

Conditions:
Microcephaly 18, primary, autosomal dominant (MCPH18). Identifiers: MedGen C4479608, MONDO:0054593, OMIM 617520.

Submission:

New York Genome Center
Classification: Uncertain significance for Microcephaly 18, primary, autosomal dominant. Last evaluated: 2021-07-16. Review status: criteria provided, single submitter. Criteria: NYGC Assertion Criteria 2020. Collection method: clinical testing. Allele origin: germline. Observed: 1 heterozygote. Study: CSER-NYCKidSeq.
Comment: The c.9260G>T (p.Cys3087Phe) variant identified in the WDFY3 gene substitutes a very well conserved Cysteine for Phenylalanine at amino acid 3087/3527 (exon 61/68). This variant is absent from gnomAD(v3.1.1) suggesting it is not a common benign variant in the populations represented in that database. In silico algorithms predict this variant to be Damaging (SIFT; score:0.001) and Benign (REVEL; score:0.4519) to the function of the canonical transcript. This variant is absent from ClinVar and to our current knowledge has not been reported in affected individuals in the literature. The p.Cys3087 residue is within the first WD domain of WDFY3 (UniProtKB:Q8IZQ1). Given the lack of compelling evidence for its pathogenicity, the c.9260G>T (p.Cys3087Phe) variant identified in the WDFY3 gene is reported as a Variant of Uncertain Significance.